The following is an entry in ClinVar:

NM_207037.2(TCF12):c.1036-19T>G

Gene: TCF12 (transcription factor 12; plus strand). Cytogenetic location: 15q21.3.
Variant type: single nucleotide variant.
Coding change: c.1036-19T>G on transcript NM_207037.2 (MANE Select); 19 bases into the intron before coding-DNA position 1036, T replaced by G.
Molecular consequence: intron variant.
Genome position (GRCh38, 1-based): chr15:57,243,453, T>G. VCF-style: chr15-57243453-T-G. GRCh37 (hg19) VCF-style: chr15-57535651-T-G.
Other names: c.1036-19T>G (NM_207038.2, NM_001322162.2, NM_001322161.2 and 7 more transcripts); c.1072-19T>G (NM_001322164.2); c.526-19T>G (NM_001306219.3, NM_207040.2); c.328-19T>G (NM_001306220.3); c.862-19T>G (NM_001322156.2, NM_001322158.2); c.379-19T>G (NM_001322154.2).
Identifiers: ClinVar variation 2981090 (VCV002981090.3), dbSNP rs377020012, ClinGen allele CA7581129.

ClinVar aggregate classification (germline): Uncertain significance (1 of 4 stars; one submission).

Allele frequency attached by ClinVar (database versions not stated): gnomAD exomes below 0.00001; ExAC 0.00002; gnomAD 0.00005; TOPMed 0.00006; ESP Exome Variant Server 0.00015.
gnomAD v4.1: 13 of 1,605,466 alleles (0.00081%); highest among the groups gnomAD compares: African/African-American, 0.017%; no homozygotes.

Submission:

Labcorp Genetics (formerly Invitae), Labcorp
Classification: Uncertain significance. Last evaluated: 2023-10-06. Review status: criteria provided, single submitter. Criteria: Invitae Variant Classification Sherloc (09022015). Collection method: clinical testing. Allele origin: germline.
Comment: This sequence change falls in intron 12 of the TCF12 gene. It does not directly change the encoded amino acid sequence of the TCF12 protein. This variant is present in population databases (rs377020012, gnomAD 0.03%). This variant has not been reported in the literature in individuals affected with TCF12-related conditions. Algorithms developed to predict the effect of sequence changes on RNA splicing suggest that this variant may create or strengthen a splice site. In summary, the available evidence is currently insufficient to determine the role of this variant in disease. Therefore, it has been classified as a Variant of Uncertain Significance.